The following is an entry in ClinVar:

ClinVar aggregate classification (germline): Pathogenic (1 of 4 stars; one submission).

Submission:

Labcorp Genetics (formerly Invitae), Labcorp
Classification: Pathogenic. Last evaluated: 2021-11-30. Review status: criteria provided, single submitter. Criteria: Invitae Variant Classification Sherloc (09022015). Collection method: clinical testing. Allele origin: germline.
Comment: This sequence change creates a premature translational stop signal (p.Gln355*) in the HNF1B gene. It is expected to result in an absent or disrupted protein product. Loss-of-function variants in HNF1B are known to be pathogenic (PMID: 9398836, 12148114, 15068978, 20378641). This variant is not present in population databases (gnomAD no frequency). This variant has not been reported in the literature in individuals affected with HNF1B-related conditions. Algorithms developed to predict the effect of sequence changes on RNA splicing suggest that this variant may create or strengthen a splice site. For these reasons, this variant has been classified as Pathogenic.

Literature cited by the submitters: PubMed 9398836; PubMed 12148114; PubMed 15068978; PubMed 20378641.

NM_000458.4(HNF1B):c.1063C>T (p.Gln355Ter)

Gene: HNF1B (HNF1 homeobox B; minus strand). Cytogenetic location: 17q12.
Variant type: single nucleotide variant.
Coding change: c.1063C>T on transcript NM_000458.4 (MANE Select); coding-DNA position 1063, C replaced by T.
Protein change: p.Gln355Ter; replaces glutamine 355 with a stop codon.
Molecular consequence: nonsense.
Genome position (GRCh38, 1-based): chr17:37,710,646, G>A on the plus strand (C>T on the coding strand, the complement: HNF1B is on the minus strand). VCF-style: chr17-37710646-G-A. GRCh37 (hg19) VCF-style: chr17-36070654-G-A.
Other names: c.985C>T, p.Gln329Ter (NM_001165923.4, NM_001304286.2); short protein forms Q329*, Q355*.
Identifiers: ClinVar variation 1359835 (VCV001359835.6), dbSNP rs1449365696, ClinGen allele CA398759940.